The following is an entry in ClinVar:

ClinVar aggregate classification (germline): Uncertain significance. Review status: criteria provided, multiple submitters, no conflicts (2 of 4 stars). 2 submissions from 2 submitters: Uncertain significance (2). Last evaluated 2025-01-08.

Conditions:
Inborn genetic diseases. Identifiers: MedGen C0950123, MeSH D030342.

gnomAD v4.1: 4 of 1,614,046 alleles (0.00025%); no homozygotes.

Submissions (2):

GeneDx
Classification: Uncertain significance. Last evaluated: 2025-01-08. Review status: criteria provided, single submitter. Criteria: GeneDx Variant Classification Process June 2021. Collection method: clinical testing. Allele origin: germline. Affected: yes.
Comment: Not observed at significant frequency in large population cohorts (gnomAD); In silico analysis supports that this missense variant has a deleterious effect on protein structure/function; Has not been previously published as pathogenic or benign to our knowledge

Ambry Genetics
Classification: Uncertain significance for Inborn genetic diseases. Last evaluated: 2024-07-02. Review status: criteria provided, single submitter. Criteria: Ambry Variant Classification Scheme 2023. Collection method: clinical testing. Allele origin: germline.

NM_017433.5(MYO3A):c.1781T>C (p.Leu594Pro)

Gene: MYO3A (myosin IIIA; plus strand). Cytogenetic location: 10p12.1.
Variant type: single nucleotide variant.
Coding change: c.1781T>C on transcript NM_017433.5 (MANE Select); coding-DNA position 1781, T replaced by C.
Protein change: p.Leu594Pro; replaces leucine 594 with proline.
Molecular consequence: missense variant.
Genome position (GRCh38, 1-based): chr10:26,120,680, T>C. VCF-style: chr10-26120680-T-C. GRCh37 (hg19) VCF-style: chr10-26409609-T-C.
Other names: short protein forms L594P.
Identifiers: ClinVar variation 3401527 (VCV003401527.2).